The following is an entry in ClinVar:

NM_145331.3(MAP3K7):c.737-7A>G

Gene: MAP3K7 (mitogen-activated protein kinase kinase kinase 7; minus strand). Cytogenetic location: 6q15.
Variant type: single nucleotide variant.
Coding change: c.737-7A>G on transcript NM_145331.3 (MANE Select); 7 bases into the intron before coding-DNA position 737, A replaced by G.
Molecular consequence: intron variant.
Genome position (GRCh38, 1-based): chr6:90,552,186, T>C on the plus strand (A>G on the coding strand, the complement: MAP3K7 is on the minus strand). VCF-style: chr6-90552186-T-C. GRCh37 (hg19) VCF-style: chr6-91261905-T-C.
Other names: IVS7AS, A-G, -7; c.737-7A>G (NM_145333.3, NM_003188.4, NM_145332.3).
Identifiers: ClinVar variation 974910 (VCV000974910.8), dbSNP rs1776199533, ClinGen allele CA1139659736.

ClinVar aggregate classification (germline): Conflicting classifications of pathogenicity. Review status: criteria provided, conflicting classifications (1 of 4 stars). 4 submissions from 4 submitters: Pathogenic (2); Uncertain significance (1). 1 of the submissions does not count toward it. Last evaluated 2023-09-14.

Conditions:
Cardiospondylocarpofacial syndrome (CSCF). Identifiers: Orphanet 3238, MedGen C2931461, MONDO:0008005, OMIM 157800.

Submissions (4):

GeneDx
Classification: Pathogenic. Last evaluated: 2023-09-14. Review status: criteria provided, single submitter. Criteria: GeneDx Variant Classification Process June 2021. Collection method: clinical testing. Allele origin: germline. Affected: yes.
Comment: Published RNA studies on patient blood indicated creation of a new cryptic splice acceptor site resulting in the insertion of six bases at the RNA level (r.736_737insTTGTAG), and in-frame insertion of two amino acids at the protein level (p.Asn245_Gly246insValVal) (Morlino et al., 2018); Not observed in large population cohorts (gnomAD); This variant is associated with the following publications: (PMID: 29467388, 32105826)

Blueprint Genetics
Classification: Uncertain significance. Last evaluated: 2023-02-27. Review status: criteria provided, single submitter. Criteria: ACMG Guidelines, 2015. Collection method: clinical testing. Allele origin: germline.

Division of Biology and Genetics, University of Brescia
Classification: Pathogenic for Cardiospondylocarpofacial syndrome. Review status: criteria provided, single submitter. Criteria: ACMG Guidelines, 2015. Collection method: clinical testing. Allele origin: de novo. Inheritance: Autosomal dominant inheritance. Affected: yes. Observed: 1 heterozygote.
Comment: The variant was predicted, in silico, to affect function by the creation of a new splice acceptor site with the retention of the last 6 bases of intron 7 and an in-frame insertion of 2 amino acid residues as a consequence (p.Asn245_Gly246insValVal). RT-PCR on cDNA from patientâ€™s whole blood confirmed this prediction with the insertion of six bases at the RNA level (r.736_737insTTGTAG). Computational analysis revealed that this in-frame insertion alters protein dynamics in the kinase activation loop responsible for TAK1 autophosphorylation after binding with its interactor TAB1.

OMIM
Classification: Pathogenic for CARDIOSPONDYLOCARPOFACIAL SYNDROME. Last evaluated: 2022-02-04. Review status: no assertion criteria provided. Collection method: literature only. Allele origin: germline. Not counted in ClinVar's aggregate classification.

Literature cited by the submitters: PubMed 29467388 (cited by Division of Biology and Genetics, University of Brescia and OMIM); PubMed 32105826 (cited by Division of Biology and Genetics, University of Brescia).